The following is an entry in ClinVar:

ClinVar aggregate classification (germline): Uncertain significance. Review status: criteria provided, multiple submitters, no conflicts (2 of 4 stars). 2 submissions from 2 submitters: Uncertain significance (2). Last evaluated 2025-04-11.

gnomAD v4.1: 21 of 1,614,074 alleles (0.0013%); highest among the groups gnomAD compares: East Asian, 0.0067%; no homozygotes.

Submissions (2):

Ambry Genetics
Classification: Uncertain significance. Last evaluated: 2025-04-11. Review status: criteria provided, single submitter. Criteria: Ambry Variant Classification Scheme 2023. Collection method: clinical testing. Allele origin: germline.

Labcorp Genetics (formerly Invitae), Labcorp
Classification: Uncertain significance. Last evaluated: 2022-02-24. Review status: criteria provided, single submitter. Criteria: Invitae Variant Classification Sherloc (09022015). Collection method: clinical testing. Allele origin: germline.
Comment: In summary, the available evidence is currently insufficient to determine the role of this variant in disease. Therefore, it has been classified as a Variant of Uncertain Significance. Algorithms developed to predict the effect of missense changes on protein structure and function output the following: SIFT: "Tolerated"; PolyPhen-2: "Benign"; Align-GVGD: "Class C0". The histidine amino acid residue is found in multiple mammalian species, which suggests that this missense change does not adversely affect protein function. This variant has not been reported in the literature in individuals affected with C8A-related conditions. This variant is present in population databases (rs374951686, gnomAD 0.01%). This sequence change replaces arginine, which is basic and polar, with histidine, which is basic and polar, at codon 520 of the C8A protein (p.Arg520His).

NM_000562.3(C8A):c.1559G>A (p.Arg520His)

Gene: C8A (complement C8 alpha chain; plus strand). Cytogenetic location: 1p32.2.
Variant type: single nucleotide variant.
Coding change: c.1559G>A on transcript NM_000562.3 (MANE Select); coding-DNA position 1559, G replaced by A.
Protein change: p.Arg520His; replaces arginine 520 with histidine.
Molecular consequence: missense variant.
Genome position (GRCh38, 1-based): chr1:56,912,581, G>A. VCF-style: chr1-56912581-G-A. GRCh37 (hg19) VCF-style: chr1-57378254-G-A.
Other names: c.1559G>A (NM_000562.2); short protein forms R520H.
Identifiers: ClinVar variation 1511849 (VCV001511849.9), dbSNP rs374951686, ClinGen allele CA875430.